The following is an entry in ClinVar:

NM_005751.5(AKAP9):c.6418C>G (p.Gln2140Glu)

Gene: AKAP9 (A-kinase anchoring protein 9; plus strand). Cytogenetic location: 7q21.2.
Variant type: single nucleotide variant.
Coding change: c.6418C>G on transcript NM_005751.5 (MANE Select); coding-DNA position 6418, C replaced by G.
Protein change: p.Gln2140Glu; replaces glutamine 2140 with glutamic acid.
Molecular consequence: missense variant.
Genome position (GRCh38, 1-based): chr7:92,070,117, C>G. VCF-style: chr7-92070117-C-G. GRCh37 (hg19) VCF-style: chr7-91699431-C-G.
Other names: c.1063C>G, p.Gln355Glu (NM_001379277.1); c.6418C>G, p.Gln2140Glu (NM_147185.3); short protein forms Q2140E, Q355E.
Identifiers: ClinVar variation 3516538 (VCV003516538.1).

ClinVar aggregate classification (germline): Uncertain significance (1 of 4 stars; one submission).

Conditions:
Cardiovascular phenotype. Identifiers: MedGen CN230736.

Submission:

Ambry Genetics
Classification: Uncertain significance for Cardiovascular phenotype. Last evaluated: 2024-09-11. Review status: criteria provided, single submitter. Criteria: Ambry Variant Classification Scheme 2023. Collection method: clinical testing. Allele origin: germline.
Comment: The p.Q2140E variant (also known as c.6418C>G), located in coding exon 27 of the AKAP9 gene, results from a C to G substitution at nucleotide position 6418. The glutamine at codon 2140 is replaced by glutamic acid, an amino acid with highly similar properties. This amino acid position is conserved. In addition, this alteration is predicted to be tolerated by in silico analysis. Based on the available evidence, the clinical significance of this variant remains unclear.